The following is an entry in ClinVar:

ClinVar aggregate classification (germline): Uncertain significance. Review status: criteria provided, multiple submitters, no conflicts (2 of 4 stars). 2 submissions from 2 submitters: Uncertain significance (2). Last evaluated 2025-03-03.

Allele frequency attached by ClinVar (database versions not stated): gnomAD exomes 0.00001.
gnomAD v4.1: 6 of 1,211,762 alleles (0.0005%); highest among the groups gnomAD compares: Non-Finnish European, 0.00067%; no homozygotes.

Submissions (2):

Women's Health and Genetics/Laboratory Corporation of America, LabCorp
Classification: Uncertain significance. Last evaluated: 2025-03-03. Review status: criteria provided, single submitter. Criteria: LabCorp Variant Classification Summary - May 2015. Collection method: clinical testing. Allele origin: germline.
Comment: Variant summary: DRP2 c.1400A>G (p.Asn467Ser) results in a conservative amino acid change in the encoded protein sequence. Three of five in-silico tools predict a damaging effect of the variant on protein function. The variant was absent in 183394 control chromosomes. The available data on variant occurrences in the general population are insufficient to allow any conclusion about variant significance. To our knowledge, no occurrence of c.1400A>G in individuals affected with Charcot-Marie-Tooth disease and no experimental evidence demonstrating its impact on protein function have been reported. ClinVar contains an entry for this variant (Variation ID: 1979189). Based on the evidence outlined above, the variant was classified as uncertain significance.

Labcorp Genetics (formerly Invitae), Labcorp
Classification: Uncertain significance. Last evaluated: 2024-09-11. Review status: criteria provided, single submitter. Criteria: Invitae Variant Classification Sherloc (09022015). Collection method: clinical testing. Allele origin: germline.
Comment: This sequence change replaces asparagine, which is neutral and polar, with serine, which is neutral and polar, at codon 467 of the DRP2 protein (p.Asn467Ser). This variant is not present in population databases (gnomAD no frequency). This variant has not been reported in the literature in individuals affected with DRP2-related conditions. ClinVar contains an entry for this variant (Variation ID: 1979189). Invitae Evidence Modeling of protein sequence and biophysical properties (such as structural, functional, and spatial information, amino acid conservation, physicochemical variation, residue mobility, and thermodynamic stability) indicates that this missense variant is not expected to disrupt DRP2 protein function with a negative predictive value of 80%. In summary, the available evidence is currently insufficient to determine the role of this variant in disease. Therefore, it has been classified as a Variant of Uncertain Significance.

NM_001939.3(DRP2):c.1400A>G (p.Asn467Ser)

Gene: DRP2 (dystrophin related protein 2; plus strand). Cytogenetic location: Xq22.1.
Variant type: single nucleotide variant.
Coding change: c.1400A>G on transcript NM_001939.3 (MANE Select); coding-DNA position 1400, A replaced by G.
Protein change: p.Asn467Ser; replaces asparagine 467 with serine.
Molecular consequence: missense variant.
Genome position (GRCh38, 1-based): chrX:101,248,236, A>G. VCF-style: chrX-101248236-A-G. GRCh37 (hg19) VCF-style: chrX-100503225-A-G.
Other names: c.1166A>G, p.Asn389Ser (NM_001171184.2); short protein forms N389S, N467S.
Identifiers: ClinVar variation 1979189 (VCV001979189.5), dbSNP rs2520277982, ClinGen allele CA413926390.
Genomic context (GRCh38, chrX:101,248,236, plus strand): 5'-TCATTCACTGCCTGACTGCCTTATATGAACGTTTGGAGGAGGAAAGAGGCATCCTGGTCA[A>G]CGTGCCACTCTGTGTGGACATGAGCCTCAATTGGCTCCTCAATGTTTTTGATAGGTAAGG-3'
Protein context (NP_001930.2, residues 457-477): RLEEERGILV[Asn467Ser]VPLCVDMSLN